The following is an entry in ClinVar:

ClinVar aggregate classification (germline): Likely benign. Review status: criteria provided, multiple submitters, no conflicts (2 of 4 stars). 3 submissions from 2 submitters: Likely benign (3). Last evaluated 2020-05-01.

Conditions:
Connective tissue disorder. Also called: Connective tissue disease. Identifiers: MedGen C0009782, MONDO:0003900.
Metaphyseal chondrodysplasia, Jansen type. Also called: Metaphyseal chondrodysplasia Murk Jansen type; PTH1R-Related Jansen Metaphyseal Chondrodysplasia. Identifiers: Orphanet 33067, MedGen C0265295, MONDO:0007982, OMIM 156400.
Chondrodysplasia Blomstrand type (BOCD). Identifiers: Orphanet 50945, MedGen C1859148, MONDO:0008970, OMIM 215045.

Allele frequency attached by ClinVar (database versions not stated): gnomAD 0.00001 and 0.00048; ESP Exome Variant Server 0.00008; TOPMed 0.00009; gnomAD exomes 0.00094 and 0.00198; ExAC 0.00238; 1000 Genomes Project 30x 0.00375; 1000 Genomes Project 0.00439.
gnomAD v4.1: 1,450 of 1,606,332 alleles (0.09%); highest among the groups gnomAD compares: South Asian, 1.5%; 18 homozygotes.

Submissions (3):

Genome Diagnostics Laboratory, The Hospital for Sick Children
Classification: Likely benign for Connective tissue disorder. Last evaluated: 2020-05-01. Review status: criteria provided, single submitter. Criteria: ACMG Guidelines, 2015. Collection method: clinical testing. Allele origin: germline.

Illumina Laboratory Services, Illumina
Classification: Likely benign for Chondrodysplasia Blomstrand type. Last evaluated: 2017-04-27. Review status: criteria provided, single submitter. Criteria: ICSL Variant Classification Criteria 13 December 2019. Collection method: clinical testing. Allele origin: germline.
Comment: This variant was observed as part of a predisposition screen in an ostensibly healthy population. A literature search was performed for the gene, cDNA change, and amino acid change (where applicable). No publications were found based on this search. Allele frequency data from public databases allowed determination this variant is unlikely to cause disease. Therefore, this variant is classified as likely benign.

Illumina Laboratory Services, Illumina
Classification: Likely benign for Metaphyseal chondrodysplasia, Jansen type. Last evaluated: 2017-04-27. Review status: criteria provided, single submitter. Criteria: ICSL Variant Classification Criteria 13 December 2019. Collection method: clinical testing. Allele origin: germline.
Comment: the same text as in the submission from Illumina Laboratory Services, Illumina above.

NM_000316.3(PTH1R):c.*7G>A

Gene: PTH1R (parathyroid hormone 1 receptor; plus strand). Cytogenetic location: 3p21.31.
Variant type: single nucleotide variant.
Coding change: c.*7G>A on transcript NM_000316.3 (MANE Select); 7 bases downstream of the stop codon, G replaced by A.
Molecular consequence: 3 prime UTR variant.
Genome position (GRCh38, 1-based): chr3:46,903,663, G>A. VCF-style: chr3-46903663-G-A. GRCh37 (hg19) VCF-style: chr3-46945153-G-A.
Other names: c.*7G>A (NM_001184744.1).
Identifiers: ClinVar variation 345602 (VCV000345602.8), dbSNP rs199649688, ClinGen allele CA2359626.